The following is an entry in ClinVar:

NM_001379200.1(TBX1):c.823G>C (p.Glu275Gln)

Gene: TBX1 (T-box transcription factor 1; plus strand). Cytogenetic location: 22q11.21.
Variant type: single nucleotide variant.
Coding change: c.823G>C on transcript NM_001379200.1 (MANE Select); coding-DNA position 823, G replaced by C.
Protein change: p.Glu275Gln; replaces glutamic acid 275 with glutamine.
Molecular consequence: missense variant.
Genome position (GRCh38, 1-based): chr22:19,765,069, G>C. VCF-style: chr22-19765069-G-C. GRCh37 (hg19) VCF-style: chr22-19752592-G-C.
Other names: c.796G>C, p.Glu266Gln (NM_005992.1, NM_080646.2, NM_080647.1); short protein forms E266Q, E275Q.
Identifiers: ClinVar variation 1761427 (VCV001761427.16), dbSNP rs144848597, ClinGen allele CA10102564.

ClinVar aggregate classification (germline): Uncertain significance. Review status: criteria provided, multiple submitters, no conflicts (2 of 4 stars). 3 submissions from 3 submitters: Uncertain significance (3). Last evaluated 2025-06-01.

Conditions:
Cardiovascular phenotype. Identifiers: MedGen CN230736.
DiGeorge syndrome. Also called: THIRD AND FOURTH PHARYNGEAL POUCH SYNDROME; Catch22. Identifiers: Orphanet 567, MedGen C0012236, MONDO:0008564, OMIM 188400.

gnomAD v4.1: 6 of 1,614,100 alleles (0.00037%); highest among the groups gnomAD compares: East Asian, 0.0089%; no homozygotes.

Submissions (4):

CeGaT Center for Human Genetics Tuebingen
Classification: Uncertain significance. Last evaluated: 2025-06-01. Review status: criteria provided, single submitter. Criteria: CeGaT Center For Human Genetics Tuebingen Variant Classification Criteria Version 2. Collection method: clinical testing. Allele origin: germline. Affected: yes. Observed: 1 variant allele.
Comment: TBX1: PP3

Labcorp Genetics (formerly Invitae), Labcorp
Classification: Uncertain significance for DiGeorge syndrome. Last evaluated: 2023-07-10. Review status: criteria provided, single submitter. Criteria: Invitae Variant Classification Sherloc (09022015). Collection method: clinical testing. Allele origin: germline.
Comment: This sequence change replaces glutamic acid, which is acidic and polar, with glutamine, which is neutral and polar, at codon 266 of the TBX1 protein (p.Glu266Gln). This variant is present in population databases (rs144848597, gnomAD 0.03%). In summary, the available evidence is currently insufficient to determine the role of this variant in disease. Therefore, it has been classified as a Variant of Uncertain Significance. Algorithms developed to predict the effect of sequence changes on RNA splicing suggest that this variant may create or strengthen a splice site. Advanced modeling of protein sequence and biophysical properties (such as structural, functional, and spatial information, amino acid conservation, physicochemical variation, residue mobility, and thermodynamic stability) performed at Invitae indicates that this missense variant is not expected to disrupt TBX1 protein function. ClinVar contains an entry for this variant (Variation ID: 1761427). This missense change has been observed in individual(s) with congenital hypothyroidism (PMID: 34374102).

Ambry Genetics
Classification: Uncertain significance for Cardiovascular phenotype. Last evaluated: 2022-01-02. Review status: criteria provided, single submitter. Criteria: Ambry Variant Classification Scheme 2023. Collection method: clinical testing. Allele origin: germline.
Comment: The p.E266Q variant (also known as c.796G>C), located in coding exon 5 of the TBX1 gene, results from a G to C substitution at nucleotide position 796. The glutamic acid at codon 266 is replaced by glutamine, an amino acid with highly similar properties. This amino acid position is conserved. In addition, the in silico prediction for this alteration is inconclusive. Since supporting evidence is limited at this time, the clinical significance of this alteration remains unclear.

Dr. Peter K. Rogan Lab, Western University
No classification provided (evidence only). Condition: Malignant tumor of esophagus. Review status: no classification provided. Collection method: in vitro. Allele origin: not applicable. Functional consequence: cryptic splice site, retained intron. Not counted in ClinVar's aggregate classification.

Literature cited by the submitters: PubMed 34374102 (cited by Labcorp Genetics (formerly Invitae), Labcorp).